The following is an entry in ClinVar:

ClinVar aggregate classification (germline): Uncertain significance (1 of 4 stars; one submission).

Allele frequency attached by ClinVar (database versions not stated): gnomAD exomes below 0.00001.

Submission:

Labcorp Genetics (formerly Invitae), Labcorp
Classification: Uncertain significance. Last evaluated: 2022-03-04. Review status: criteria provided, single submitter. Criteria: Invitae Variant Classification Sherloc (09022015). Collection method: clinical testing. Allele origin: germline.
Comment: In summary, the available evidence is currently insufficient to determine the role of this variant in disease. Therefore, it has been classified as a Variant of Uncertain Significance. Algorithms developed to predict the effect of missense changes on protein structure and function are either unavailable or do not agree on the potential impact of this missense change (SIFT: "Deleterious"; PolyPhen-2: "Benign"; Align-GVGD: "Class C0"). This variant has not been reported in the literature in individuals affected with MSN-related conditions. The frequency data for this variant in the population databases is considered unreliable, as metrics indicate poor data quality at this position in the gnomAD database. This sequence change replaces arginine, which is basic and polar, with histidine, which is basic and polar, at codon 330 of the MSN protein (p.Arg330His).

NM_002444.3(MSN):c.989G>A (p.Arg330His)

Gene: MSN (moesin; plus strand). Cytogenetic location: Xq12.
Variant type: single nucleotide variant.
Coding change: c.989G>A on transcript NM_002444.3 (MANE Select); coding-DNA position 989, G replaced by A.
Protein change: p.Arg330His; replaces arginine 330 with histidine.
Molecular consequence: missense variant.
Genome position (GRCh38, 1-based): chrX:65,736,824, G>A. VCF-style: chrX-65736824-G-A. GRCh37 (hg19) VCF-style: chrX-64956686-G-A.
Other names: short protein forms R330H.
Identifiers: ClinVar variation 2190041 (VCV002190041.4), dbSNP rs1342104235, ClinGen allele CA413412984.